The following is an entry in ClinVar:

ClinVar aggregate classification (germline): Uncertain significance. Review status: criteria provided, multiple submitters, no conflicts (2 of 4 stars). 2 submissions from 2 submitters: Uncertain significance (2). Last evaluated 2025-11-12.

Allele frequency attached by ClinVar (database versions not stated): gnomAD 0.00001; TOPMed 0.00002; gnomAD exomes below 0.00001.
gnomAD v4.1: 5 of 1,610,734 alleles (0.00031%); highest among the groups gnomAD compares: Admixed American, 0.0034%; no homozygotes.

Submissions (2):

Ambry Genetics
Classification: Uncertain significance. Last evaluated: 2025-11-12. Review status: criteria provided, single submitter. Criteria: Ambry Variant Classification Scheme 2023. Collection method: clinical testing. Allele origin: germline.

Labcorp Genetics (formerly Invitae), Labcorp
Classification: Uncertain significance. Last evaluated: 2022-01-02. Review status: criteria provided, single submitter. Criteria: Invitae Variant Classification Sherloc (09022015). Collection method: clinical testing. Allele origin: germline.
Comment: This sequence change replaces valine, which is neutral and non-polar, with methionine, which is neutral and non-polar, at codon 554 of the KIAA1161 protein (p.Val554Met). The frequency data for this variant in the population databases is considered unreliable, as metrics indicate poor data quality at this position in the gnomAD database. This variant has not been reported in the literature in individuals affected with KIAA1161-related conditions. Algorithms developed to predict the effect of missense changes on protein structure and function are either unavailable or do not agree on the potential impact of this missense change (SIFT: "Deleterious"; PolyPhen-2: "Not Available"; Align-GVGD: "Class C0"). In summary, the available evidence is currently insufficient to determine the role of this variant in disease. Therefore, it has been classified as a Variant of Uncertain Significance.

NM_020702.5(MYORG):c.1660G>A (p.Val554Met)

Gene: MYORG (myogenesis regulating glycosidase; minus strand). Cytogenetic location: 9p13.3.
Variant type: single nucleotide variant.
Coding change: c.1660G>A on transcript NM_020702.5 (MANE Select); coding-DNA position 1660, G replaced by A.
Protein change: p.Val554Met; replaces valine 554 with methionine.
Molecular consequence: missense variant.
Genome position (GRCh38, 1-based): chr9:34,371,284, C>T on the plus strand (G>A on the coding strand, the complement: MYORG is on the minus strand). VCF-style: chr9-34371284-C-T. GRCh37 (hg19) VCF-style: chr9-34371282-C-T.
Other names: c.1660G>A (NM_020702.3); short protein forms V554M.
Identifiers: ClinVar variation 2072912 (VCV002072912.5), dbSNP rs749897076, ClinGen allele CA5032867.